The following is an entry in ClinVar:

ClinVar aggregate classification (germline): Uncertain significance (1 of 4 stars; one submission).

Conditions:
Nephronophthisis. Also called: Juvenile Nephronophthisis. Identifiers: Orphanet 655, MedGen C0687120, MONDO:0019005, HP:0000090.

Allele frequency attached by ClinVar (database versions not stated): gnomAD exomes below 0.00001.
gnomAD v4.1: 1 of 1,613,796 alleles (0.000062%); highest among the groups gnomAD compares: Non-Finnish European, 0.000085%; no homozygotes.

Submission:

Labcorp Genetics (formerly Invitae), Labcorp
Classification: Uncertain significance for Nephronophthisis. Last evaluated: 2022-09-12. Review status: criteria provided, single submitter. Criteria: Invitae Variant Classification Sherloc (09022015). Collection method: clinical testing. Allele origin: germline.
Comment: This sequence change replaces aspartic acid, which is acidic and polar, with valine, which is neutral and non-polar, at codon 232 of the NPHP1 protein (p.Asp232Val). This variant is not present in population databases (gnomAD no frequency). This variant has not been reported in the literature in individuals affected with NPHP1-related conditions. Advanced modeling of protein sequence and biophysical properties (such as structural, functional, and spatial information, amino acid conservation, physicochemical variation, residue mobility, and thermodynamic stability) performed at Invitae indicates that this missense variant is not expected to disrupt NPHP1 protein function. In summary, the available evidence is currently insufficient to determine the role of this variant in disease. Therefore, it has been classified as a Variant of Uncertain Significance.

NM_001128178.3(NPHP1):c.695A>T (p.Asp232Val)

Gene: NPHP1 (nephrocystin 1; minus strand). Cytogenetic location: 2q13.
Variant type: single nucleotide variant.
Coding change: c.695A>T on transcript NM_001128178.3 (MANE Select); coding-DNA position 695, A replaced by T.
Protein change: p.Asp232Val; replaces aspartic acid 232 with valine.
Molecular consequence: missense variant.
Genome position (GRCh38, 1-based): chr2:110,165,085, T>A on the plus strand (A>T on the coding strand, the complement: NPHP1 is on the minus strand). VCF-style: chr2-110165085-T-A. GRCh37 (hg19) VCF-style: chr2-110922662-T-A.
Other names: c.695A>T, p.Asp232Val (NM_000272.5, NM_001374256.1, NM_001374257.1 and 1 more transcripts); c.509A>T, p.Asp170Val (NM_001128179.3); short protein forms D170V, D232V.
Identifiers: ClinVar variation 2146001 (VCV002146001.4), dbSNP rs2467373936, ClinGen allele CA348092140.